The following is an entry in ClinVar:

ClinVar aggregate classification (germline): Benign/Likely benign. Review status: criteria provided, multiple submitters, no conflicts (2 of 4 stars). 4 submissions from 3 submitters: Benign (2); Likely benign (2). Last evaluated 2018-12-22.

Conditions:
Branchiootic syndrome 3 (BOS3). Also called: BO SYNDROME 3. Identifiers: MedGen C1842124, MONDO:0012025, OMIM 608389.
Autosomal dominant nonsyndromic hearing loss 23. Identifiers: Orphanet 90635, MedGen C1854594, MONDO:0011519, OMIM 605192.

Allele frequency attached by ClinVar (database versions not stated): gnomAD exomes 0.00136; gnomAD 0.00657 and 0.00707; TOPMed 0.00733; 1000 Genomes Project 0.00799.
gnomAD v4.1: 1,051 of 201,694 alleles (0.52%); highest among the groups gnomAD compares: African/African-American, 2.2%; 14 homozygotes.

Submissions (4):

GeneDx
Classification: Likely benign. Last evaluated: 2018-12-22. Review status: criteria provided, single submitter. Criteria: GeneDx Variant Classification Process June 2021. Collection method: clinical testing. Allele origin: germline. Affected: yes.

Illumina Laboratory Services, Illumina
Classification: Benign for Autosomal dominant nonsyndromic hearing loss 23. Last evaluated: 2018-01-13. Review status: criteria provided, single submitter. Criteria: ICSL Variant Classification Criteria 13 December 2019. Collection method: clinical testing. Allele origin: germline.
Comment: This variant was observed in the ICSL laboratory as part of a predisposition screen in an ostensibly healthy population. It had not been previously curated by ICSL or reported in the Human Gene Mutation Database (HGMD: prior to June 1st, 2018), and was therefore a candidate for classification through an automated scoring system. Utilizing variant allele frequency, disease prevalence and penetrance estimates, and inheritance mode, an automated score was calculated to assess if this variant is too frequent to cause the disease. Based on the score and internal cut-off values, a variant classified as benign is not then subjected to further curation. The score for this variant resulted in a classification of benign for this disease.

Illumina Laboratory Services, Illumina
Classification: Benign for Branchiootic syndrome 3. Last evaluated: 2018-01-13. Review status: criteria provided, single submitter. Criteria: ICSL Variant Classification Criteria 13 December 2019. Collection method: clinical testing. Allele origin: germline.
Comment: the same text as in the submission from Illumina Laboratory Services, Illumina above.

Breakthrough Genomics
Classification: Likely benign. Review status: criteria provided, single submitter. Criteria: ACMG Guidelines, 2015. Collection method: not provided. Allele origin: germline. Inheritance: Autosomal dominant inheritance. Affected: yes.

NM_005982.4(SIX1):c.*297T>G

Gene: SIX1 (SIX homeobox 1; minus strand). Cytogenetic location: 14q23.1.
Variant type: single nucleotide variant.
Coding change: c.*297T>G on transcript NM_005982.4 (MANE Select); 297 bases downstream of the stop codon, T replaced by G.
Molecular consequence: 3 prime UTR variant.
Genome position (GRCh38, 1-based): chr14:60,645,986, A>C on the plus strand (T>G on the coding strand, the complement: SIX1 is on the minus strand). VCF-style: chr14-60645986-A-C. GRCh37 (hg19) VCF-style: chr14-61112704-A-C.
Identifiers: ClinVar variation 313460 (VCV000313460.9), dbSNP rs147081368, ClinGen allele CA10645540.